The following is an entry in ClinVar:

ClinVar aggregate classification (germline): Pathogenic (1 of 4 stars; one submission).

Allele frequency attached by ClinVar (database versions not stated): TOPMed below 0.00001.

Submission:

CeGaT Center for Human Genetics Tuebingen
Classification: Pathogenic. Last evaluated: 2024-06-01. Review status: criteria provided, single submitter. Criteria: CeGaT Center For Human Genetics Tuebingen Variant Classification Criteria Version 2. Collection method: clinical testing. Allele origin: germline. Affected: yes. Observed: 2 variant alleles.
Comment: ABCC8: PVS1, PM2, PM3:Supporting

NM_000352.6(ABCC8):c.1468G>T (p.Glu490Ter)

Gene: ABCC8 (ATP binding cassette subfamily C member 8; minus strand). Cytogenetic location: 11p15.1.
Variant type: single nucleotide variant.
Coding change: c.1468G>T on transcript NM_000352.6 (MANE Select); coding-DNA position 1468, G replaced by T.
Protein change: p.Glu490Ter; replaces glutamic acid 490 with a stop codon.
Molecular consequence: nonsense. On other transcripts: non-coding transcript variant (1).
Genome position (GRCh38, 1-based): chr11:17,442,882, C>A on the plus strand (G>T on the coding strand, the complement: ABCC8 is on the minus strand). VCF-style: chr11-17442882-C-A. GRCh37 (hg19) VCF-style: chr11-17464429-C-A.
Other names: c.1468G>T, p.Glu490Ter (NM_001287174.3, NM_001351295.2); c.1465G>T, p.Glu489Ter (NM_001351296.2, NM_001351297.2); short protein forms E489*, E490*.
Identifiers: ClinVar variation 3250957 (VCV003250957.18), dbSNP rs1956375263.
Genomic context (GRCh38, chr11:17,442,882, plus strand): 5'-TCAGCAGCTTGATGCCGCGGAGCATCTCGTTGGTCTGCTTCAGCCGCTCATTGGAATACT[C>A]CTGCAGGGGTCCCCGAGTCAGAGGGGAGAGGCTTCTGCTCCGTCTCCCACCCGAGAGGAA-3'